The following is an entry in ClinVar:

ClinVar aggregate classification (germline): Uncertain significance (1 of 4 stars; one submission).

Conditions:
Alagille syndrome due to a JAG1 point mutation. Also called: JAG1-Related Alagille Syndrome; HEPATIC DUCTULAR HYPOPLASIA, SYNDROMATIC; Alagille Syndrome 1. Identifiers: Orphanet 261619, Orphanet 52, MedGen C1956125, MONDO:0016862, OMIM 118450.

Submission:

Labcorp Genetics (formerly Invitae), Labcorp
Classification: Uncertain significance for Alagille syndrome due to a JAG1 point mutation. Last evaluated: 2024-12-24. Review status: criteria provided, single submitter. Criteria: Invitae Variant Classification Sherloc (09022015). Collection method: clinical testing. Allele origin: germline.
Comment: This sequence change replaces threonine, which is neutral and polar, with alanine, which is neutral and non-polar, at codon 946 of the JAG1 protein (p.Thr946Ala). This variant is not present in population databases (gnomAD no frequency). This variant has not been reported in the literature in individuals affected with JAG1-related conditions. Invitae Evidence Modeling of protein sequence and biophysical properties (such as structural, functional, and spatial information, amino acid conservation, physicochemical variation, residue mobility, and thermodynamic stability) indicates that this missense variant is not expected to disrupt JAG1 protein function with a negative predictive value of 95%. In summary, the available evidence is currently insufficient to determine the role of this variant in disease. Therefore, it has been classified as a Variant of Uncertain Significance.

NM_000214.3(JAG1):c.2836A>G (p.Thr946Ala)

Gene: JAG1 (jagged canonical Notch ligand 1; minus strand). Cytogenetic location: 20p12.2.
Variant type: single nucleotide variant.
Coding change: c.2836A>G on transcript NM_000214.3 (MANE Select); coding-DNA position 2836, A replaced by G.
Protein change: p.Thr946Ala; replaces threonine 946 with alanine.
Molecular consequence: missense variant.
Genome position (GRCh38, 1-based): chr20:10,641,540, T>C on the plus strand (A>G on the coding strand, the complement: JAG1 is on the minus strand). VCF-style: chr20-10641540-T-C. GRCh37 (hg19) VCF-style: chr20-10622188-T-C.
Other names: short protein forms T946A.
Identifiers: ClinVar variation 3719746 (VCV003719746.2).